The following is an entry in ClinVar:

NM_017780.4(CHD7):c.6271T>C (p.Trp2091Arg)

Gene: CHD7 (chromodomain helicase DNA binding protein 7; plus strand). Cytogenetic location: 8q12.2.
Variant type: single nucleotide variant.
Coding change: c.6271T>C on transcript NM_017780.4 (MANE Select); coding-DNA position 6271, T replaced by C.
Protein change: p.Trp2091Arg; replaces tryptophan 2091 with arginine.
Molecular consequence: missense variant. On other transcripts: intron variant (1).
Genome position (GRCh38, 1-based): chr8:60,852,996, T>C. VCF-style: chr8-60852996-T-C. GRCh37 (hg19) VCF-style: chr8-61765555-T-C.
Other names: c.1717-9233T>C (NM_001316690.1); short protein forms W2091R.
Identifiers: ClinVar variation 4975037 (VCV004975037.1).

ClinVar aggregate classification (germline): Uncertain significance (1 of 4 stars; one submission).

Submission:

GeneDx
Classification: Uncertain significance. Last evaluated: 2026-03-19. Review status: criteria provided, single submitter. Criteria: GeneDx Variant Classification Process June 2021. Collection method: clinical testing. Allele origin: germline.
Comment: Not observed at significant frequency in large population cohorts (gnomAD); In silico analysis supports that this missense variant has a deleterious effect on protein structure/function; This variant is associated with the following publications: (PMID: 20453063, 22461308)